The following is an entry in ClinVar:

NM_016955.4(SEPSECS):c.691G>A (p.Val231Met)

Gene: SEPSECS (Sep (O-phosphoserine) tRNA:Sec (selenocysteine) tRNA synthase; minus strand). Cytogenetic location: 4p15.2.
Variant type: single nucleotide variant.
Coding change: c.691G>A on transcript NM_016955.4 (MANE Select); coding-DNA position 691, G replaced by A.
Protein change: p.Val231Met; replaces valine 231 with methionine.
Molecular consequence: missense variant.
Genome position (GRCh38, 1-based): chr4:25,155,008, C>T on the plus strand (G>A on the coding strand, the complement: SEPSECS is on the minus strand). VCF-style: chr4-25155008-C-T. GRCh37 (hg19) VCF-style: chr4-25156630-C-T.
Other names: c.946G>A, p.Val316Met (NM_001410714.1); c.691G>A, p.Val231Met (NM_153825.2); short protein forms V231M, V316M.
Identifiers: ClinVar variation 1810137 (VCV001810137.1), dbSNP rs753217077, ClinGen allele CA2877378.

ClinVar aggregate classification (germline): Uncertain significance (1 of 4 stars; one submission).

Allele frequency attached by ClinVar (database versions not stated): gnomAD exomes below 0.00001; ExAC 0.00001.
gnomAD v4.1: 2 of 1,614,090 alleles (0.00012%); highest among the groups gnomAD compares: East Asian, 0.0045%; no homozygotes.

Submission:

GeneDx
Classification: Uncertain significance. Last evaluated: 2022-06-22. Review status: criteria provided, single submitter. Criteria: GeneDx Variant Classification Process June 2021. Collection method: clinical testing. Allele origin: germline. Affected: yes.
Comment: Not observed at significant frequency in large population cohorts (gnomAD); In silico analysis supports that this missense variant does not alter protein structure/function; Has not been previously published as pathogenic or benign to our knowledge